The following is an entry in ClinVar:

NM_001135608.3(ARHGAP26):c.1775A>G (p.Lys592Arg)

Gene: ARHGAP26 (Rho GTPase activating protein 26; plus strand). Cytogenetic location: 5q31.3.
Variant type: single nucleotide variant.
Coding change: c.1775A>G on transcript NM_001135608.3 (MANE Select); coding-DNA position 1775, A replaced by G.
Protein change: p.Lys592Arg; replaces lysine 592 with arginine.
Molecular consequence: missense variant. On other transcripts: non-coding transcript variant (1).
Genome position (GRCh38, 1-based): chr5:143,134,043, A>G. VCF-style: chr5-143134043-A-G. GRCh37 (hg19) VCF-style: chr5-142513608-A-G.
Other names: c.1667A>G, p.Lys556Arg (NM_001349547.2); c.1775A>G, p.Lys592Arg (NM_015071.6); short protein forms K592R, K556R.
Identifiers: ClinVar variation 133542 (VCV000133542.1), dbSNP rs587778048, ClinGen allele CA156902.

ClinVar aggregate classification (germline): not provided (0 of 4 stars; one submission).

Submission:

ITMI
No classification provided. Condition: AllHighlyPenetrant. Last evaluated: 2013-09-19. Review status: no classification provided. Collection method: reference population. Allele origin: germline.
Comment: Please see associated publication for description of ethnicities

Literature cited by the submitters: PubMed 24728327.